The following is an entry in ClinVar:

ClinVar aggregate classification (germline): Likely benign. Review status: criteria provided, multiple submitters, no conflicts (2 of 4 stars). 2 submissions from 2 submitters: Likely benign (2). Last evaluated 2025-01-21.

Conditions:
Autosomal recessive limb-girdle muscular dystrophy type 2Q (LGMDR17). Also called: MUSCULAR DYSTROPHY, LIMB-GIRDLE, AUTOSOMAL RECESSIVE 17. Identifiers: Orphanet 254361, MedGen C3150989, MONDO:0013390, OMIM 613723.
Epidermolysis bullosa simplex, Ogna type (EBS5A). Also called: Pidermolysis bullosa simplex 5A, Ogna type; EPIDERMOLYSIS BULLOSA SIMPLEX 5A, OGNA TYPE. Identifiers: Orphanet 79401, MedGen C0432317, MONDO:0007555, OMIM 131950.
Epidermolysis bullosa simplex with nail dystrophy (EBS5D). Identifiers: MedGen C4225309, MONDO:0014661, OMIM 616487.
Epidermolysis bullosa simplex 5B, with muscular dystrophy (EBS5B). Also called: Epidermolysis bullosa simplex with muscular dystrophy; EPIDERMOLYSIS BULLOSA SIMPLEX AND LIMB-GIRDLE MUSCULAR DYSTROPHY. Identifiers: Orphanet 257, MedGen C2931072, MONDO:0009181, OMIM 226670.
Epidermolysis bullosa simplex 5C, with pyloric atresia (EBS5C). Also called: PLEC-Related Epidermolysis Bullosa with Pyloric Atresia; Epidermolysis bullosa simplex with pyloric atresia; PLEC1-Related Epidermolysis Bullosa with Pyloric Atresia. Identifiers: Orphanet 158684, MedGen C2677349, MONDO:0012807, OMIM 612138.
PLEC-related disorder. Also called: PLEC-related disorders; PLEC-related condition.

Allele frequency attached by ClinVar (database versions not stated): ExAC 0.00002; TOPMed 0.00002; gnomAD exomes below 0.00001.

Submissions (2):

PreventionGenetics, part of Exact Sciences
Classification: Likely benign for PLEC-related condition. Last evaluated: 2025-01-21. Review status: criteria provided, single submitter. Criteria: ACMG Guidelines, 2015. Collection method: clinical testing. Allele origin: germline.
Comment: This variant is classified as likely benign based on ACMG/AMP sequence variant interpretation guidelines (Richards et al. 2015 PMID: 25741868, with internal and published modifications).

Labcorp Genetics (formerly Invitae), Labcorp
Classification: Likely benign for Autosomal recessive limb-girdle muscular dystrophy type 2Q; Epidermolysis bullosa simplex, Ogna type; Epidermolysis bullosa simplex with nail dystrophy; Epidermolysis bullosa simplex 5C, with pyloric atresia; Epidermolysis bullosa simplex 5B, with muscular dystrophy. Last evaluated: 2022-03-08. Review status: criteria provided, single submitter. Criteria: Invitae Variant Classification Sherloc (09022015). Collection method: clinical testing. Allele origin: germline.

NM_201384.3(PLEC):c.12015G>A (p.Leu4005=)

Gene: PLEC (plectin; minus strand). Cytogenetic location: 8q24.3.
Variant type: single nucleotide variant.
Coding change: c.12015G>A on transcript NM_201384.3 (MANE Select); coding-DNA position 12015, G replaced by A.
Protein change: p.Leu4005=; no amino-acid change (leucine 4005 retained).
Molecular consequence: synonymous variant.
Genome position (GRCh38, 1-based): chr8:143,917,806, C>T on the plus strand (G>A on the coding strand, the complement: PLEC is on the minus strand). VCF-style: chr8-143917806-C-T. GRCh37 (hg19) VCF-style: chr8-144991974-C-T.
Other names: c.12096G>A, p.Leu4032= (NM_000445.5); c.8715G>A, p.Leu2905= (NM_001410941.1); c.11973G>A, p.Leu3991= (NM_201378.4); c.11949G>A, p.Leu3983= (NM_201379.3); c.12426G>A, p.Leu4142= (NM_201380.4); c.11919G>A, p.Leu3973= (NM_201381.3); c.12015G>A, p.Leu4005= (NM_201382.4); c.12027G>A, p.Leu4009= (NM_201383.3); and 1 more.
Identifiers: ClinVar variation 2193850 (VCV002193850.5), dbSNP rs782164393, ClinGen allele CA4924199.
Genomic context (GRCh38, chr8:143,917,806, plus strand): 5'-GAGGGAGATGAGCTTCCCAGAGTAGGGGTCCTTGTACCCAGTGACGGCGCGCTCGGCCGA[C>T]AGCAGCTTGTCCTTGAACTCGGGGCCCACAATGCCCATACGCACAGCCTCCTCCACCGTC-3'
Protein context (NP_958786.1, residues 3995-4015): IVGPEFKDKL[Leu4005=]SAERAVTGYK